The following is an entry in ClinVar:

NM_000181.4(GUSB):c.499C>T (p.Arg167Ter)

Gene: GUSB (glucuronidase beta; minus strand). Cytogenetic location: 7q11.21.
Variant type: single nucleotide variant.
Coding change: c.499C>T on transcript NM_000181.4 (MANE Select); coding-DNA position 499, C replaced by T.
Protein change: p.Arg167Ter; replaces arginine 167 with a stop codon.
Molecular consequence: nonsense. On other transcripts: non-coding transcript variant (1), intron variant (3).
Genome position (GRCh38, 1-based): chr7:65,979,809, G>A on the plus strand (C>T on the coding strand, the complement: GUSB is on the minus strand). VCF-style: chr7-65979809-G-A. GRCh37 (hg19) VCF-style: chr7-65444796-G-A.
Other names: c.67+415C>T (NM_001293105.2); c.12-268C>T (NM_001293104.2); c.474+25C>T (NM_001284290.2); short protein forms R167*.
Identifiers: ClinVar variation 2900981 (VCV002900981.6), dbSNP rs769769379, ClinGen allele CA4276623.

ClinVar aggregate classification (germline): Pathogenic/Likely pathogenic. Review status: criteria provided, multiple submitters, no conflicts (2 of 4 stars). 3 submissions from 3 submitters: Pathogenic (2); Likely pathogenic (1). Last evaluated 2026-01-19.

Conditions:
Mucopolysaccharidosis type 7 (MPS7). Also called: BETA-GLUCURONIDASE DEFICIENCY; GUSB DEFICIENCY; SLY SYNDROME; MPS VII. Identifiers: Orphanet 584, MedGen C0085132, MONDO:0009662, OMIM 253220.

Allele frequency attached by ClinVar (database versions not stated): TOPMed below 0.00001; ExAC 0.00001; gnomAD 0.00001; gnomAD exomes 0.00001.
gnomAD v4.1: 5 of 1,613,660 alleles (0.00031%); highest among the groups gnomAD compares: African/African-American, 0.0013%; no homozygotes.

Submissions (3):

Labcorp Genetics (formerly Invitae), Labcorp
Classification: Pathogenic for Mucopolysaccharidosis type 7. Last evaluated: 2026-01-19. Review status: criteria provided, single submitter. Criteria: Invitae Variant Classification Sherloc (09022015). Collection method: clinical testing. Allele origin: germline.
Comment: This sequence change creates a premature translational stop signal (p.Arg167*) in the GUSB gene. It is expected to result in an absent or disrupted protein product. Loss-of-function variants in GUSB are known to be pathogenic (PMID: 19224584). This variant is present in population databases (rs769769379, gnomAD 0.003%). This variant has not been reported in the literature in individuals affected with GUSB-related conditions. ClinVar contains an entry for this variant (Variation ID: 2900981). Algorithms developed to predict the effect of sequence changes on RNA splicing suggest that this variant may disrupt the consensus splice site. For these reasons, this variant has been classified as Pathogenic.

Fulgent Genetics
Classification: Likely pathogenic for Mucopolysaccharidosis type 7. Last evaluated: 2024-02-14. Review status: criteria provided, single submitter. Criteria: ACMG Guidelines, 2015. Collection method: clinical testing. Allele origin: germline.

Juno Genomics, Hangzhou Juno Genomics, Inc
Classification: Pathogenic for Mucopolysaccharidosis type 7. Review status: criteria provided, single submitter. Criteria: ACMG Guidelines, 2015. Collection method: clinical testing. Allele origin: germline.
Comment: Null variant in a gene where loss of function (LOF) is a known mechanism of disease.;Absent from controls (or at extremely low frequency if recessive) in Genome Aggregation Database.;Patient's phenotype or family history is highly specific for a disease with a single genetic etiology.

Literature cited by the submitters: PubMed 19224584 (cited by Labcorp Genetics (formerly Invitae), Labcorp).